The following is an entry in ClinVar:

ClinVar aggregate classification (germline): Likely benign. Review status: criteria provided, multiple submitters, no conflicts (2 of 4 stars). 2 submissions from 2 submitters: Likely benign (2). Last evaluated 2025-05-05.

Conditions:
Hyperphosphatasia with impaired intellectual development syndrome 2. Also called: Hyperphosphatasia with intellectual disability syndrome 2; GLYCOSYLPHOSPHATIDYLINOSITOL BIOSYNTHESIS DEFECT 6. Identifiers: Orphanet 247262, MedGen C3553637, MONDO:0013882, OMIM 614749.

Allele frequency attached by ClinVar (database versions not stated): gnomAD exomes below 0.00001; gnomAD 0.00001; TOPMed 0.00003.
gnomAD v4.1: 4 of 1,613,858 alleles (0.00025%); highest among the groups gnomAD compares: Admixed American, 0.005%; no homozygotes.

Submissions (2):

Labcorp Genetics (formerly Invitae), Labcorp
Classification: Likely benign for Hyperphosphatasia with impaired intellectual development syndrome 2. Last evaluated: 2025-05-05. Review status: criteria provided, single submitter. Criteria: Invitae Variant Classification Sherloc (09022015). Collection method: clinical testing. Allele origin: germline.

GeneDx
Classification: Likely benign. Last evaluated: 2018-05-22. Review status: criteria provided, single submitter. Criteria: GeneDx Variant Classification (06012015). Collection method: clinical testing. Allele origin: germline. Affected: yes.
Comment: This variant is considered likely benign or benign based on one or more of the following criteria: it is a conservative change, it occurs at a poorly conserved position in the protein, it is predicted to be benign by multiple in silico algorithms, and/or has population frequency not consistent with disease.

NM_032634.4(PIGO):c.939+10G>A

Gene: PIGO (phosphatidylinositol glycan anchor biosynthesis class O; minus strand). Cytogenetic location: 9p13.3.
Variant type: single nucleotide variant.
Coding change: c.939+10G>A on transcript NM_032634.4 (MANE Select); 10 bases into the intron after coding-DNA position 939, G replaced by A.
Molecular consequence: intron variant.
Genome position (GRCh38, 1-based): chr9:35,093,411, C>T on the plus strand (G>A on the coding strand, the complement: PIGO is on the minus strand). VCF-style: chr9-35093411-C-T. GRCh37 (hg19) VCF-style: chr9-35093408-C-T.
Other names: c.939+10G>A (NM_152850.4, NM_001201484.2).
Identifiers: ClinVar variation 668515 (VCV000668515.9), dbSNP rs1587170803, ClinGen allele CA915947479.